The following is an entry in ClinVar:

NM_000079.4(CHRNA1):c.948C>A (p.Ile316=)

Gene: CHRNA1 (cholinergic receptor nicotinic alpha 1 subunit; minus strand). Cytogenetic location: 2q31.1.
Variant type: single nucleotide variant.
Coding change: c.948C>A on transcript NM_000079.4 (MANE Select); coding-DNA position 948, C replaced by A.
Protein change: p.Ile316=; no amino-acid change (isoleucine 316 retained).
Molecular consequence: synonymous variant.
Genome position (GRCh38, 1-based): chr2:174,750,000, G>T on the plus strand (C>A on the coding strand, the complement: CHRNA1 is on the minus strand). VCF-style: chr2-174750000-G-T. GRCh37 (hg19) VCF-style: chr2-175614728-G-T.
Other names: c.1023C>A (NM_001039523.2); c.1023C>A, p.Ile341= (NM_001039523.3).
Identifiers: ClinVar variation 198389 (VCV000198389.16), dbSNP rs141733086, ClinGen allele CA247022.
Genomic context (GRCh38, chr2:174,750,000, plus strand): 5'-ACTCACCTTCCGCACCCAGTTGGGCATGACATGGGTGCTGGGTGAGCGGTGGTGTGTGTT[G>T]ATGACGATGACAGTGATGATGATGGAGGCAATGACGAACACCATGGTGAACAGCATGTAT-3'
Protein context (NP_000070.1, residues 306-326): IASIIITVIV[Ile316=]NTHHRSPSTH

ClinVar aggregate classification (germline): Conflicting classifications of pathogenicity. Review status: criteria provided, conflicting classifications (1 of 4 stars). 3 submissions from 3 submitters: Uncertain significance (1); Likely benign (1). 1 of the submissions does not count toward it. Last evaluated 2026-01-07.

Conditions:
CHRNA1-related disorder. Also called: CHRNA1-related condition.
Lethal multiple pterygium syndrome (LMPS). Identifiers: Orphanet 33108, MedGen C1854678, MONDO:0009668, OMIM 253290.

Allele frequency attached by ClinVar (database versions not stated): gnomAD 0.00011; TOPMed 0.00013; ESP Exome Variant Server 0.00015; gnomAD exomes 0.00015 and 0.00016; ExAC 0.00020.
gnomAD v4.1: 246 of 1,614,138 alleles (0.015%); highest among the groups gnomAD compares: Middle Eastern, 0.099%; no homozygotes.

Submissions (3):

Labcorp Genetics (formerly Invitae), Labcorp
Classification: Likely benign for Lethal multiple pterygium syndrome. Last evaluated: 2026-01-07. Review status: criteria provided, single submitter. Criteria: Invitae Variant Classification Sherloc (09022015). Collection method: clinical testing. Allele origin: germline.

Eurofins Ntd Llc (ga)
Classification: Uncertain significance. Last evaluated: 2014-12-15. Review status: criteria provided, single submitter. Criteria: EGL Classification Definitions 2015. Collection method: clinical testing. Allele origin: germline. Observed: 1 variant allele, 1 heterozygote.

PreventionGenetics, part of Exact Sciences
Classification: Likely benign for CHRNA1-related condition. Last evaluated: 2019-07-10. Review status: no assertion criteria provided. Collection method: clinical testing. Allele origin: germline. Not counted in ClinVar's aggregate classification.
Comment: This variant is classified as likely benign based on ACMG/AMP sequence variant interpretation guidelines (Richards et al. 2015 PMID: 25741868, with internal and published modifications).